The following is an entry in ClinVar:

ClinVar aggregate classification (germline): Likely benign (1 of 4 stars; one submission).

Allele frequency attached by ClinVar (database versions not stated): gnomAD exomes below 0.00001.
gnomAD v4.1: 1 of 1,613,446 alleles (0.000062%); highest among the groups gnomAD compares: African/African-American, 0.0013%; no homozygotes.

Submission:

GeneDx
Classification: Likely benign. Last evaluated: 2017-01-13. Review status: criteria provided, single submitter. Criteria: GeneDx Variant Classification (06012015). Collection method: clinical testing. Allele origin: germline. Affected: yes.
Comment: This variant is considered likely benign or benign based on one or more of the following criteria: it is a conservative change, it occurs at a poorly conserved position in the protein, it is predicted to be benign by multiple in silico algorithms, and/or has population frequency not consistent with disease.

NM_014845.6(FIG4):c.1983G>A (p.Val661=)

Gene: FIG4 (FIG4 phosphoinositide 5-phosphatase; plus strand). Cytogenetic location: 6q21.
Variant type: single nucleotide variant.
Coding change: c.1983G>A on transcript NM_014845.6 (MANE Select); coding-DNA position 1983, G replaced by A.
Protein change: p.Val661=; no amino-acid change (valine 661 retained).
Molecular consequence: synonymous variant.
Genome position (GRCh38, 1-based): chr6:109,786,336, G>A. VCF-style: chr6-109786336-G-A. GRCh37 (hg19) VCF-style: chr6-110107539-G-A.
Identifiers: ClinVar variation 392857 (VCV000392857.1), dbSNP rs1057524662, ClinGen allele CA16604836.